The following is an entry in ClinVar:

ClinVar aggregate classification (germline): Pathogenic (1 of 4 stars; one submission).

Conditions:
DYRK1A-related intellectual disability syndrome (MRD7). Also called: Intellectual developmental disorder, autosomal dominant 7; DYRK1A Syndrome. Identifiers: Orphanet 464306, MedGen C5568143, MONDO:0013578, OMIM 614104.

Submission:

Labcorp Genetics (formerly Invitae), Labcorp
Classification: Pathogenic for DYRK1A-related intellectual disability syndrome. Last evaluated: 2021-11-21. Review status: criteria provided, single submitter. Criteria: Invitae Variant Classification Sherloc (09022015). Collection method: clinical testing. Allele origin: germline.
Comment: For these reasons, this variant has been classified as Pathogenic. This variant has not been reported in the literature in individuals affected with DYRK1A-related conditions. This variant is not present in population databases (gnomAD no frequency). This sequence change creates a premature translational stop signal (p.Asn108Leufs*43) in the DYRK1A gene. It is expected to result in an absent or disrupted protein product. Loss-of-function variants in DYRK1A are known to be pathogenic (PMID: 25944381).

Literature cited by the submitters: PubMed 25944381.

NM_001347721.2(DYRK1A):c.293_294dup (p.Asn99fs)

Gene: DYRK1A (dual specificity tyrosine phosphorylation regulated kinase 1A; plus strand). Cytogenetic location: 21q22.13.
Variant type: Duplication.
Coding change: c.293_294dup on transcript NM_001347721.2 (MANE Select); coding-DNA positions 293 to 294, 2 bases duplicated (TT; older notation c.293_294dupTT).
Protein change: p.Asn99fs; shifts the reading frame from asparagine 99.
Molecular consequence: frameshift variant.
Genome position (GRCh38, 1-based): chr21:37,478,293-37,478,294, TT duplicated. VCF-style (leftmost placement, unchanged base first): chr21-37478292-A-ATT. GRCh37 (hg19) VCF-style: chr21-38850594-A-ATT.
Other names: c.293_294dup, p.Asn99fs (NM_001347722.2, NM_130436.2); c.206_207dup, p.Asn70fs (NM_001347723.2); c.320_321dup, p.Asn108fs (NM_001396.5, NM_101395.2, NM_130438.2); short protein forms N70fs, N99fs, N108fs.
Identifiers: ClinVar variation 1396925 (VCV001396925.6), dbSNP rs2148571757, ClinGen allele CA2573157415.